The following is an entry in ClinVar:

NM_006129.5(BMP1):c.2350C>G (p.Arg784Gly)

Gene: BMP1 (bone morphogenetic protein 1; plus strand). Cytogenetic location: 8p21.3.
Variant type: single nucleotide variant.
Coding change: c.2350C>G on transcript NM_006129.5 (MANE Select); coding-DNA position 2350, C replaced by G.
Protein change: p.Arg784Gly; replaces arginine 784 with glycine.
Molecular consequence: missense variant. On other transcripts: non-coding transcript variant (1).
Genome position (GRCh38, 1-based): chr8:22,206,970, C>G. VCF-style: chr8-22206970-C-G. GRCh37 (hg19) VCF-style: chr8-22064483-C-G.
Other names: short protein forms R784G.
Identifiers: ClinVar variation 1321459 (VCV001321459.1), dbSNP rs202128760, ClinGen allele CA370508398.

ClinVar aggregate classification (germline): Uncertain significance (1 of 4 stars; one submission).

Submission:

Women's Health and Genetics/Laboratory Corporation of America, LabCorp
Classification: Uncertain significance. Last evaluated: 2021-10-06. Review status: criteria provided, single submitter. Criteria: LabCorp Variant Classification Summary - May 2015. Collection method: clinical testing. Allele origin: germline.
Comment: Variant summary: BMP1 c.2350C>G (p.Arg784Gly) results in a non-conservative amino acid change located in the CUB domain of the encoded protein sequence. Four of five in-silico tools predict a damaging effect of the variant on protein function. The variant was absent in 250822 control chromosomes. The available data on variant occurrences in the general population are insufficient to allow any conclusion about variant significance. c.2350C>G has been reported in the literature in an individual affected with Osteogenesis Imperfecta type III. This report does not provide unequivocal conclusions about association of the variant with Osteogenesis Imperfecta. To our knowledge, no experimental evidence demonstrating an impact on protein function has been reported. No clinical diagnostic laboratories have submitted clinical-significance assessments for this variant to ClinVar after 2014. Based on the evidence outlined above, the variant was classified as uncertain significance.

Literature cited by the submitters: PubMed 29807018.